The following is an entry in ClinVar:

NM_018051.5(DYNC2I1):c.682C>T (p.Arg228Ter)

Gene: DYNC2I1 (dynein 2 intermediate chain 1; plus strand). Cytogenetic location: 7q36.3.
Variant type: single nucleotide variant.
Coding change: c.682C>T on transcript NM_018051.5 (MANE Select); coding-DNA position 682, C replaced by T.
Protein change: p.Arg228Ter; replaces arginine 228 with a stop codon.
Molecular consequence: nonsense. On other transcripts: synonymous variant (1), 5 prime UTR variant (3).
Genome position (GRCh38, 1-based): chr7:158,879,792, C>T. VCF-style: chr7-158879792-C-T. GRCh37 (hg19) VCF-style: chr7-158672483-C-T.
Other names: c.544C>T, p.Arg182Ter (NM_001350914.2); c.165C>T, p.Thr55= (NM_001350915.2); c.-677C>T (NM_001350916.2); c.-685C>T (NM_001350917.2); c.-804C>T (NM_001350918.2); short protein forms R182*, R228*.
Identifiers: ClinVar variation 1680649 (VCV001680649.8), dbSNP rs752596216, ClinGen allele CA4594372.

ClinVar aggregate classification (germline): Pathogenic/Likely pathogenic. Review status: criteria provided, multiple submitters, no conflicts (2 of 4 stars). 3 submissions from 3 submitters: Pathogenic (1); Likely pathogenic (2). Last evaluated 2025-09-01.

Conditions:
Short-rib thoracic dysplasia 8 with or without polydactyly (SRTD8). Also called: SHORT-RIB THORACIC DYSPLASIA 8 WITH POLYDACTYLY. Identifiers: Orphanet 93271, MedGen C3809691, MONDO:0014214, OMIM 615503.

Allele frequency attached by ClinVar (database versions not stated): TOPMed below 0.00001; ExAC 0.00001; gnomAD 0.00001; gnomAD exomes 0.00001 and 0.00002.
gnomAD v4.1: 14 of 1,611,126 alleles (0.00087%); highest among the groups gnomAD compares: Middle Eastern, 0.049%; no homozygotes.

Submissions (3):

First Genomix Gene Laboratory, Genetic Diagnostics Department
Classification: Likely pathogenic for Short-rib thoracic dysplasia 8 with or without polydactyly. Last evaluated: 2025-09-01. Review status: criteria provided, single submitter. Criteria: ACMG Guidelines, 2015. Collection method: clinical testing. Allele origin: germline. Inheritance: Autosomal recessive inheritance. Affected: no. Observed: 1 variant allele.

Labcorp Genetics (formerly Invitae), Labcorp
Classification: Pathogenic for Short-rib thoracic dysplasia 8 with or without polydactyly. Last evaluated: 2021-11-22. Review status: criteria provided, single submitter. Criteria: Invitae Variant Classification Sherloc (09022015). Collection method: clinical testing. Allele origin: germline.
Comment: For these reasons, this variant has been classified as Pathogenic. This variant has not been reported in the literature in individuals affected with WDR60-related conditions. This variant is present in population databases (rs752596216, gnomAD 0.004%). This sequence change creates a premature translational stop signal (p.Arg228*) in the WDR60 gene. It is expected to result in an absent or disrupted protein product. Loss-of-function variants in WDR60 are known to be pathogenic (PMID: 9068549, 23910462).

Juno Genomics, Hangzhou Juno Genomics, Inc
Classification: Likely pathogenic for Short-rib thoracic dysplasia 8 with or without polydactyly. Review status: criteria provided, single submitter. Criteria: ACMG Guidelines, 2015. Collection method: clinical testing. Allele origin: germline.
Comment: Absent from controls (or at extremely low frequency if recessive) in Genome Aggregation Database.;Null variant in a gene where loss of function (LOF) is a known mechanism of disease.

Literature cited by the submitters: PubMed 9068549 (cited by Labcorp Genetics (formerly Invitae), Labcorp); PubMed 23910462 (cited by Labcorp Genetics (formerly Invitae), Labcorp).